The following is an entry in ClinVar:

ClinVar aggregate classification (germline): Uncertain significance (1 of 4 stars; one submission).

Submission:

Labcorp Genetics (formerly Invitae), Labcorp
Classification: Uncertain significance. Last evaluated: 2022-01-13. Review status: criteria provided, single submitter. Criteria: Invitae Variant Classification Sherloc (09022015). Collection method: clinical testing. Allele origin: germline.
Comment: In summary, the available evidence is currently insufficient to determine the role of this variant in disease. Therefore, it has been classified as a Variant of Uncertain Significance. Algorithms developed to predict the effect of missense changes on protein structure and function are either unavailable or do not agree on the potential impact of this missense change (SIFT: "Tolerated"; PolyPhen-2: "Not Available"; Align-GVGD: "Class C0"). This variant has not been reported in the literature in individuals affected with KIAA1161-related conditions. This variant is not present in population databases (gnomAD no frequency). This sequence change replaces methionine, which is neutral and non-polar, with leucine, which is neutral and non-polar, at codon 157 of the KIAA1161 protein (p.Met157Leu).

NM_020702.5(MYORG):c.469A>C (p.Met157Leu)

Gene: MYORG (myogenesis regulating glycosidase; minus strand). Cytogenetic location: 9p13.3.
Variant type: single nucleotide variant.
Coding change: c.469A>C on transcript NM_020702.5 (MANE Select); coding-DNA position 469, A replaced by C.
Protein change: p.Met157Leu; replaces methionine 157 with leucine.
Molecular consequence: missense variant.
Genome position (GRCh38, 1-based): chr9:34,372,475, T>G on the plus strand (A>C on the coding strand, the complement: MYORG is on the minus strand). VCF-style: chr9-34372475-T-G. GRCh37 (hg19) VCF-style: chr9-34372473-T-G.
Other names: short protein forms M157L.
Identifiers: ClinVar variation 2082128 (VCV002082128.4), dbSNP rs2491657932, ClinGen allele CA373246225.